The following is an entry in ClinVar:

ClinVar aggregate classification (germline): Uncertain significance. Review status: criteria provided, multiple submitters, no conflicts (2 of 4 stars). 2 submissions from 2 submitters: Uncertain significance (2). Last evaluated 2023-08-17.

Conditions:
Spinocerebellar ataxia type 21 (SCA21). Identifiers: Orphanet 98773, MedGen C1843891, MONDO:0011833, OMIM 607454.

Allele frequency attached by ClinVar (database versions not stated): TOPMed below 0.00001; gnomAD 0.00001; gnomAD exomes 0.00003; ExAC 0.00005.

Submissions (2):

Labcorp Genetics (formerly Invitae), Labcorp
Classification: Uncertain significance. Last evaluated: 2023-08-17. Review status: criteria provided, single submitter. Criteria: Invitae Variant Classification Sherloc (09022015). Collection method: clinical testing. Allele origin: germline.
Comment: In summary, the available evidence is currently insufficient to determine the role of this variant in disease. Therefore, it has been classified as a Variant of Uncertain Significance. An algorithm developed to predict the effect of missense changes on protein structure and function (PolyPhen-2) suggests that this variant is likely to be disruptive. ClinVar contains an entry for this variant (Variation ID: 2158528). This variant has not been reported in the literature in individuals affected with TMEM240-related conditions. This variant is present in population databases (rs762787977, gnomAD 0.01%). This sequence change replaces aspartic acid, which is acidic and polar, with asparagine, which is neutral and polar, at codon 89 of the TMEM240 protein (p.Asp89Asn).

Institute of Human Genetics, University Hospital of Duesseldorf
Classification: Uncertain significance for Spinocerebellar ataxia type 21. Review status: criteria provided, single submitter. Criteria: ACMG Guidelines, 2015. Collection method: not provided. Allele origin: germline. Inheritance: Autosomal dominant inheritance. Affected: yes.

NM_001114748.2(TMEM240):c.265G>A (p.Asp89Asn)

Gene: TMEM240 (transmembrane protein 240; minus strand). Cytogenetic location: 1p36.33.
Variant type: single nucleotide variant.
Coding change: c.265G>A on transcript NM_001114748.2 (MANE Select); coding-DNA position 265, G replaced by A.
Protein change: p.Asp89Asn; replaces aspartic acid 89 with asparagine.
Molecular consequence: missense variant.
Genome position (GRCh38, 1-based): chr1:1,535,697, C>T on the plus strand (G>A on the coding strand, the complement: TMEM240 is on the minus strand). VCF-style: chr1-1535697-C-T. GRCh37 (hg19) VCF-style: chr1-1471077-C-T.
Other names: short protein forms D89N.
Identifiers: ClinVar variation 2158528 (VCV002158528.5), dbSNP rs762787977, ClinGen allele CA526686.